The following is an entry in ClinVar:

NM_001852.4(COL9A2):c.1064G>T (p.Gly355Val)

Gene: COL9A2 (collagen type IX alpha 2 chain; minus strand). Cytogenetic location: 1p34.2.
Variant type: single nucleotide variant.
Coding change: c.1064G>T on transcript NM_001852.4 (MANE Select); coding-DNA position 1064, G replaced by T.
Protein change: p.Gly355Val; replaces glycine 355 with valine.
Molecular consequence: missense variant.
Genome position (GRCh38, 1-based): chr1:40,305,758, C>A on the plus strand (G>T on the coding strand, the complement: COL9A2 is on the minus strand). VCF-style: chr1-40305758-C-A. GRCh37 (hg19) VCF-style: chr1-40771430-C-A.
Other names: short protein forms G355V.
Identifiers: ClinVar variation 1366399 (VCV001366399.9), dbSNP rs763541825, ClinGen allele CA791601.

ClinVar aggregate classification (germline): Uncertain significance. Review status: criteria provided, multiple submitters, no conflicts (2 of 4 stars). 2 submissions from 2 submitters: Uncertain significance (2). Last evaluated 2024-06-14.

Allele frequency attached by ClinVar (database versions not stated): gnomAD exomes below 0.00001 and 0.00001; ExAC 0.00001.
gnomAD v4.1: 8 of 1,614,130 alleles (0.0005%); highest among the groups gnomAD compares: Non-Finnish European, 0.00068%; no homozygotes.

Submissions (2):

Blueprint Genetics
Classification: Uncertain significance. Last evaluated: 2024-06-14. Review status: criteria provided, single submitter. Criteria: ACMG Guidelines, 2015. Collection method: clinical testing. Allele origin: germline.

Labcorp Genetics (formerly Invitae), Labcorp
Classification: Uncertain significance. Last evaluated: 2021-07-13. Review status: criteria provided, single submitter. Criteria: Invitae Variant Classification Sherloc (09022015). Collection method: clinical testing. Allele origin: germline.
Comment: This sequence change replaces glycine with valine at codon 355 of the COL9A2 protein (p.Gly355Val). The glycine residue is highly conserved and there is a moderate physicochemical difference between glycine and valine. This variant is present in population databases (rs763541825, ExAC 0.002%). This variant has not been reported in the literature in individuals affected with COL9A2-related conditions. Advanced modeling of protein sequence and biophysical properties (such as structural, functional, and spatial information, amino acid conservation, physicochemical variation, residue mobility, and thermodynamic stability) performed at Invitae indicates that this missense variant is expected to disrupt COL9A2 protein function. In summary, the available evidence is currently insufficient to determine the role of this variant in disease. Therefore, it has been classified as a Variant of Uncertain Significance.